The following is an entry in ClinVar:

ClinVar aggregate classification (germline): Conflicting classifications of pathogenicity. Review status: criteria provided, conflicting classifications (1 of 4 stars). 9 submissions from 9 submitters: Uncertain significance (1); Likely benign (8). Last evaluated 2026-03-01.

Conditions:
PRX-related disorder. Also called: PRX-Related Disorders; PRX-related condition.
Charcot-Marie-Tooth disease type 4. Also called: Charcot-Marie-Tooth disease, type IV; Charcot-Marie-Tooth, Type 4. Identifiers: Orphanet 64749, MedGen C4082197, MONDO:0018995.
Inborn genetic diseases. Identifiers: MedGen C0950123, MeSH D030342.
Charcot-Marie-Tooth disease. Also called: Charcot-Marie-Tooth Hereditary Neuropathy; Charcot-Marie-Tooth Neuropathy. Identifiers: Orphanet 166, MedGen C0007959, MONDO:0015626.
Charcot-Marie-Tooth disease type 4F. Also called: Charcot-Marie-Tooth disease, demyelinating, type 4F. Identifiers: Orphanet 99952, MedGen C3540453, MONDO:0013959, OMIM 614895.

Allele frequency attached by ClinVar (database versions not stated): ESP Exome Variant Server 0.00023; TOPMed 0.00030; gnomAD 0.00034 and 0.00035; gnomAD exomes 0.00038 and 0.00039; ExAC 0.00044.
gnomAD v4.1: 632 of 1,607,006 alleles (0.039%); highest among the groups gnomAD compares: Middle Eastern, 0.066%; no homozygotes.

Submissions (9):

CeGaT Center for Human Genetics Tuebingen
Classification: Likely benign. Last evaluated: 2026-03-01. Review status: criteria provided, single submitter. Criteria: CeGaT Center For Human Genetics Tuebingen Variant Classification Criteria Version 2. Collection method: clinical testing. Allele origin: germline. Affected: yes. Observed: 1 variant allele.
Comment: PRX: BP4, BP7

Labcorp Genetics (formerly Invitae), Labcorp
Classification: Likely benign for Charcot-Marie-Tooth disease type 4. Last evaluated: 2026-01-26. Review status: criteria provided, single submitter. Criteria: Invitae Variant Classification Sherloc (09022015). Collection method: clinical testing. Allele origin: germline.

PreventionGenetics, part of Exact Sciences
Classification: Likely benign for PRX-related condition. Last evaluated: 2025-03-26. Review status: criteria provided, single submitter. Criteria: ACMG Guidelines, 2015. Collection method: clinical testing. Allele origin: germline.
Comment: This variant is classified as likely benign based on ACMG/AMP sequence variant interpretation guidelines (Richards et al. 2015 PMID: 25741868, with internal and published modifications).

Blueprint Genetics
Classification: Likely benign. Last evaluated: 2024-11-06. Review status: criteria provided, single submitter. Criteria: ACMG Guidelines, 2015. Collection method: clinical testing. Allele origin: germline.

ARUP Laboratories, Molecular Genetics and Genomics, ARUP Laboratories
Classification: Likely benign. Last evaluated: 2024-02-05. Review status: criteria provided, single submitter. Criteria: ARUP Molecular Germline Variant Investigation Process 2024. Collection method: clinical testing. Allele origin: germline.

Ambry Genetics
Classification: Likely benign for Inborn genetic diseases. Last evaluated: 2019-07-11. Review status: criteria provided, single submitter. Criteria: Ambry Variant Classification Scheme 2023. Collection method: clinical testing. Allele origin: germline.

Illumina Laboratory Services, Illumina
Classification: Uncertain significance for Charcot-Marie-Tooth disease type 4F. Last evaluated: 2018-01-13. Review status: criteria provided, single submitter. Criteria: ICSL Variant Classification Criteria 13 December 2019. Collection method: clinical testing. Allele origin: germline.

GeneDx
Classification: Likely benign. Last evaluated: 2018-01-09. Review status: criteria provided, single submitter. Criteria: GeneDx Variant Classification (06012015). Collection method: clinical testing. Allele origin: germline. Affected: yes.
Comment: This variant is considered likely benign or benign based on one or more of the following criteria: it is a conservative change, it occurs at a poorly conserved position in the protein, it is predicted to be benign by multiple in silico algorithms, and/or has population frequency not consistent with disease.

Molecular Genetics Laboratory, London Health Sciences Centre
Classification: Likely benign for Charcot-Marie-Tooth disease. Review status: criteria provided, single submitter. Criteria: ACMG Guidelines, 2015. Collection method: clinical testing. Allele origin: germline. Affected: yes.

NM_181882.3(PRX):c.3708G>A (p.Ala1236=)

Gene: PRX (periaxin; minus strand). Cytogenetic location: 19q13.2.
Variant type: single nucleotide variant.
Coding change: c.3708G>A on transcript NM_181882.3 (MANE Select); coding-DNA position 3708, G replaced by A.
Protein change: p.Ala1236=; no amino-acid change (alanine 1236 retained).
Molecular consequence: synonymous variant. On other transcripts: 3 prime UTR variant (1).
Genome position (GRCh38, 1-based): chr19:40,394,644, C>T on the plus strand (G>A on the coding strand, the complement: PRX is on the minus strand). VCF-style: chr19-40394644-C-T. GRCh37 (hg19) VCF-style: chr19-40900551-C-T.
Other names: c.*3913G>A (NM_020956.2).
Identifiers: ClinVar variation 476966 (VCV000476966.30), dbSNP rs202119177, ClinGen allele CA9443803.